The following is an entry in ClinVar:

NM_152564.5(VPS13B):c.11607G>A (p.Val3869=)

Gene: VPS13B (vacuolar protein sorting 13 homolog B; plus strand). Cytogenetic location: 8q22.2.
Variant type: single nucleotide variant.
Coding change: c.11607G>A on transcript NM_152564.5 (MANE Select); coding-DNA position 11607, G replaced by A.
Protein change: p.Val3869=; no amino-acid change (valine 3869 retained).
Molecular consequence: synonymous variant.
Genome position (GRCh38, 1-based): chr8:99,871,559, G>A. VCF-style: chr8-99871559-G-A. GRCh37 (hg19) VCF-style: chr8-100883787-G-A.
Other names: c.11682G>A, p.Val3894= (NM_017890.5).
Identifiers: ClinVar variation 2916069 (VCV002916069.4), dbSNP rs1817415955, ClinGen allele CA462458823.

ClinVar aggregate classification (germline): Likely benign. Review status: criteria provided, multiple submitters, no conflicts (2 of 4 stars). 2 submissions from 2 submitters: Likely benign (2). Last evaluated 2025-06-13.

Conditions:
Cohen syndrome (COH1). Also called: Cutis verticis gyrata, retinitis pigmentosa, and sensorineural deafness; PEPPER SYNDROME. Identifiers: Orphanet 193, MedGen C0265223, MONDO:0008999, OMIM 216550.
VPS13B-related disorder. Also called: VPS13B-related condition.

Submissions (2):

PreventionGenetics, part of Exact Sciences
Classification: Likely benign for VPS13B-related condition. Last evaluated: 2025-06-13. Review status: criteria provided, single submitter. Criteria: ACMG Guidelines, 2015. Collection method: clinical testing. Allele origin: germline.
Comment: This variant is classified as likely benign based on ACMG/AMP sequence variant interpretation guidelines (Richards et al. 2015 PMID: 25741868, with internal and published modifications).

Labcorp Genetics (formerly Invitae), Labcorp
Classification: Likely benign for Cohen syndrome. Last evaluated: 2025-01-25. Review status: criteria provided, single submitter. Criteria: Invitae Variant Classification Sherloc (09022015). Collection method: clinical testing. Allele origin: germline.